The following is an entry in ClinVar:

NM_004415.4(DSP):c.891C>G (p.Asp297Glu)

Gene: DSP (desmoplakin; plus strand). Cytogenetic location: 6p24.3.
Variant type: single nucleotide variant.
Coding change: c.891C>G on transcript NM_004415.4 (MANE Select); coding-DNA position 891, C replaced by G.
Protein change: p.Asp297Glu; replaces aspartic acid 297 with glutamic acid.
Molecular consequence: missense variant.
Genome position (GRCh38, 1-based): chr6:7,565,472, C>G. VCF-style: chr6-7565472-C-G. GRCh37 (hg19) VCF-style: chr6-7565705-C-G.
Other names: c.891C>G, p.Asp297Glu (NM_001008844.3, NM_001319034.2, NM_001406591.1); short protein forms D297E.
Identifiers: ClinVar variation 4785958 (VCV004785958.1).
Genomic context (GRCh38, chr6:7,565,472, plus strand): 5'-GGCCACGTCCAGGGAGATCATGTGGATCAATGACTGCGAGGAGGAGGAGCTGCTGTACGA[C>G]TGGAGCGACAAGAACACCAACATCGCTCAGAAACAGGAGGCCTTCTCCGTAAGTTCACCC-3'
Protein context (NP_004406.2, residues 287-307): NDCEEEELLY[Asp297Glu]WSDKNTNIAQ

ClinVar aggregate classification (germline): Uncertain significance (1 of 4 stars; one submission).

Conditions:
Arrhythmogenic cardiomyopathy with wooly hair and keratoderma. Also called: Carvajal syndrome; PALMOPLANTAR KERATODERMA WITH LEFT VENTRICULAR CARDIOMYOPATHY AND WOOLLY HAIR; Dilated cardiomyopathy with woolly hair and keratoderma; Arrhythmogenic cardiomyopathy with woolly hair and keratoderma. Identifiers: Orphanet 65282, MedGen C1854063, MONDO:0011581, OMIM 605676.
Arrhythmogenic right ventricular dysplasia 8 (ARVD8). Also called: Arrhythmogenic Right Ventricular Dysplasia/Cardiomyopathy 8; ARRHYTHMOGENIC RIGHT VENTRICULAR DYSPLASIA, FAMILIAL, 8; ARRHYTHMOGENIC RIGHT VENTRICULAR CARDIOMYOPATHY 8. Identifiers: MedGen C1843896, MONDO:0011831, OMIM 607450.

Submission:

Labcorp Genetics (formerly Invitae), Labcorp
Classification: Uncertain significance for Arrhythmogenic cardiomyopathy with wooly hair and keratoderma; Arrhythmogenic right ventricular dysplasia 8. Last evaluated: 2025-08-25. Review status: criteria provided, single submitter. Criteria: Invitae Variant Classification Sherloc (09022015). Collection method: clinical testing. Allele origin: germline.
Comment: This sequence change replaces aspartic acid, which is acidic and polar, with glutamic acid, which is acidic and polar, at codon 297 of the DSP protein (p.Asp297Glu). This variant is not present in population databases (gnomAD no frequency). This variant has not been reported in the literature in individuals affected with DSP-related conditions. An algorithm developed to predict the effect of missense changes on protein structure and function (PolyPhen-2) suggests that this variant is likely to be disruptive. In summary, the available evidence is currently insufficient to determine the role of this variant in disease. Therefore, it has been classified as a Variant of Uncertain Significance.